The following is an entry in ClinVar:

NM_000369.5(TSHR):c.2272G>A (p.Glu758Lys)

Genes: TSHR (thyroid stimulating hormone receptor; plus strand), TSHR-AS1 (TSHR antisense RNA 1; minus strand). Cytogenetic location: 14q31.1.
Variant type: single nucleotide variant.
Coding change: c.2272G>A on transcript NM_000369.5 (MANE Select); coding-DNA position 2272, G replaced by A.
Protein change: p.Glu758Lys; replaces glutamic acid 758 with lysine.
Molecular consequence: missense variant.
Genome position (GRCh38, 1-based): chr14:81,144,330, G>A. VCF-style: chr14-81144330-G-A. GRCh37 (hg19) VCF-style: chr14-81610674-G-A.
Other names: short protein forms E758K.
Identifiers: ClinVar variation 2264795 (VCV002264795.4), dbSNP rs746522401, ClinGen allele CA7294615.

ClinVar aggregate classification (germline): Uncertain significance. Review status: criteria provided, multiple submitters, no conflicts (2 of 4 stars). 2 submissions from 2 submitters: Uncertain significance (2). Last evaluated 2025-06-12.

Conditions:
Inborn genetic diseases. Identifiers: MedGen C0950123, MeSH D030342.

Allele frequency attached by ClinVar (database versions not stated): ExAC 0.00004; gnomAD 0.00005.
gnomAD v4.1: 34 of 1,614,162 alleles (0.0021%); highest among the groups gnomAD compares: East Asian, 0.033%; no homozygotes.

Submissions (2):

GeneDx
Classification: Uncertain significance. Last evaluated: 2025-06-12. Review status: criteria provided, single submitter. Criteria: GeneDx Variant Classification Process June 2021. Collection method: clinical testing. Allele origin: germline. Affected: yes.
Comment: Observed in patients with subclinical or congenital hypothyroidism; a second variant in TSHR was not identified in these individuals (PMID: 27637299, 32425884, 34374102); In silico analysis suggests that this missense variant does not alter protein structure/function; This variant is associated with the following publications: (PMID: 34426522, 27637299, 32425884, 34374102, 29530127, 39720292)

Ambry Genetics
Classification: Uncertain significance for Inborn genetic diseases. Last evaluated: 2022-03-15. Review status: criteria provided, single submitter. Criteria: Ambry Variant Classification Scheme 2023. Collection method: clinical testing. Allele origin: germline.
Comment: The c.2272G>A (p.E758K) alteration is located in coding exon 10 of the TSHR gene. This alteration results from a G to A substitution at nucleotide position 2272, causing the glutamic acid (E) at amino acid position 758 to be replaced by a lysine (K). Based on data from gnomAD, the A allele has an overall frequency of 0.004% (10/282852) total alleles studied. The highest observed frequency was 0.045% (9/19952) of East Asian alleles. This amino acid position is well conserved in available vertebrate species. This alteration is predicted to be tolerated by in silico analysis. Based on insufficient or conflicting evidence, the clinical significance of this alteration remains unclear.

Literature cited by the submitters: PubMed 27637299 (cited by Ambry Genetics); PubMed 32425884 (cited by Ambry Genetics); PubMed 34276565 (cited by Ambry Genetics); PubMed 34374102 (cited by Ambry Genetics).